The following is an entry in ClinVar:

ClinVar aggregate classification (germline): Uncertain significance. Review status: criteria provided, multiple submitters, no conflicts (2 of 4 stars). 2 submissions from 2 submitters: Uncertain significance (2). Last evaluated 2024-06-26.

Conditions:
Hereditary cancer-predisposing syndrome. Also called: Neoplastic Syndromes, Hereditary; Hereditary Cancer Syndrome; Tumor predisposition; Hereditary neoplastic syndrome. Identifiers: Orphanet 140162, MedGen C0027672, MeSH D009386, MONDO:0015356.

Allele frequency attached by ClinVar (database versions not stated): gnomAD exomes below 0.00001; TOPMed below 0.00001; gnomAD 0.00001.

Submissions (2):

Ambry Genetics
Classification: Uncertain significance for Hereditary cancer-predisposing syndrome. Last evaluated: 2024-06-26. Review status: criteria provided, single submitter. Criteria: Ambry Variant Classification Scheme 2023. Collection method: clinical testing. Allele origin: germline.
Comment: The c.1793+3A>C intronic variant results from an A to C substitution 3 nucleotides after coding exon 11 in the RAD50 gene. This nucleotide position is not well conserved in available vertebrate species. In silico splice site analysis predicts that this alteration will weaken the native splice donor site and may result in the creation or strengthening of a novel splice donor site. Based on the available evidence, the clinical significance of this variant remains unclear.

Labcorp Genetics (formerly Invitae), Labcorp
Classification: Uncertain significance for Hereditary cancer-predisposing syndrome. Last evaluated: 2023-08-10. Review status: criteria provided, single submitter. Criteria: Invitae Variant Classification Sherloc (09022015). Collection method: clinical testing. Allele origin: germline.
Comment: In summary, the available evidence is currently insufficient to determine the role of this variant in disease. Therefore, it has been classified as a Variant of Uncertain Significance. Variants that disrupt the consensus splice site are a relatively common cause of aberrant splicing (PMID: 17576681, 9536098). Algorithms developed to predict the effect of sequence changes on RNA splicing suggest that this variant may disrupt the consensus splice site. ClinVar contains an entry for this variant (Variation ID: 852717). This variant has not been reported in the literature in individuals affected with RAD50-related conditions. This variant is not present in population databases (gnomAD no frequency). This sequence change falls in intron 11 of the RAD50 gene. It does not directly change the encoded amino acid sequence of the RAD50 protein. It affects a nucleotide within the consensus splice site.

Literature cited by the submitters: PubMed 17576681 (cited by Labcorp Genetics (formerly Invitae), Labcorp); PubMed 9536098 (cited by Labcorp Genetics (formerly Invitae), Labcorp).

NM_005732.4(RAD50):c.1793+3A>C

Gene: RAD50 (RAD50 double strand break repair protein; plus strand). Cytogenetic location: 5q31.1.
Variant type: single nucleotide variant.
Coding change: c.1793+3A>C on transcript NM_005732.4 (MANE Select); 3 bases into the intron after coding-DNA position 1793, A replaced by C.
Molecular consequence: intron variant.
Genome position (GRCh38, 1-based): chr5:132,592,037, A>C. VCF-style: chr5-132592037-A-C. GRCh37 (hg19) VCF-style: chr5-131927729-A-C.
Identifiers: ClinVar variation 852717 (VCV000852717.9), dbSNP rs1433878227, ClinGen allele CA804024583.